The following is an entry in ClinVar:

NM_000093.5(COL5A1):c.5310C>G (p.Asn1770Lys)

Genes: COL5A1 (collagen type V alpha 1 chain; plus strand), LOC101448202 (uncharacterized LOC101448202; minus strand). Cytogenetic location: 9q34.3.
Variant type: single nucleotide variant.
Coding change: c.5310C>G on transcript NM_000093.5 (MANE Select); coding-DNA position 5310, C replaced by G.
Protein change: p.Asn1770Lys; replaces asparagine 1770 with lysine.
Molecular consequence: missense variant.
Genome position (GRCh38, 1-based): chr9:134,835,144, C>G. VCF-style: chr9-134835144-C-G. GRCh37 (hg19) VCF-style: chr9-137726990-C-G.
Other names: c.5310C>G (NM_000093.3); c.5310C>G, p.Asn1770Lys (NM_001278074.1); short protein forms N1770K.
Identifiers: ClinVar variation 1406466 (VCV001406466.7), dbSNP rs764817290, ClinGen allele CA375460816.
Genomic context (GRCh38, chr9:134,835,144, plus strand): 5'-GGCCTGGCAGGACGCAGCCACGGGCAGCTACGACAAGGCCCTCCGCTTCCTGGGCTCCAA[C>G]GACGAGGAGATGTCCTATGACAACAACCCCTACATCCGCGCCCTGGTGGACGGCTGTGCT-3'
Protein context (NP_000084.3, residues 1760-1780): YDKALRFLGS[Asn1770Lys]DEEMSYDNNP

ClinVar aggregate classification (germline): Uncertain significance. Review status: criteria provided, multiple submitters, no conflicts (2 of 4 stars). 2 submissions from 2 submitters: Uncertain significance (2). Last evaluated 2025-01-02.

Conditions:
Familial thoracic aortic aneurysm and aortic dissection (TAAD). Also called: Thoracic aortic aneurysms and dissections. Identifiers: Orphanet 91387, MedGen C4707243, MONDO:0019625.
Ehlers-Danlos syndrome, classic type, 1 (EDSCL1). Also called: EHLERS-DANLOS SYNDROME, GRAVIS TYPE; EHLERS-DANLOS SYNDROME, SEVERE CLASSIC TYPE; Ehlers-Danlos syndrome, type 1; Ehlers-Danlos Syndrome, Classic Type, COL5A1-Related; EDS I. Identifiers: MedGen C0268335, MONDO:0019567, OMIM 130000.

gnomAD v4.1: 3 of 1,613,876 alleles (0.00019%); highest among the groups gnomAD compares: Non-Finnish European, 0.000085%; no homozygotes.

Submissions (2):

Ambry Genetics
Classification: Uncertain significance for Familial thoracic aortic aneurysm and aortic dissection. Last evaluated: 2025-01-02. Review status: criteria provided, single submitter. Criteria: Ambry Variant Classification Scheme 2023. Collection method: clinical testing. Allele origin: germline.
Comment: The p.N1770K variant (also known as c.5310C>G), located in coding exon 65 of the COL5A1 gene, results from a C to G substitution at nucleotide position 5310. The asparagine at codon 1770 is replaced by lysine, an amino acid with similar properties. This amino acid position is highly conserved in available vertebrate species. In addition, the in silico prediction for this alteration is inconclusive. Based on the available evidence, the clinical significance of this variant remains unclear.

Labcorp Genetics (formerly Invitae), Labcorp
Classification: Uncertain significance for Ehlers-Danlos syndrome, classic type, 1. Last evaluated: 2023-12-17. Review status: criteria provided, single submitter. Criteria: Invitae Variant Classification Sherloc (09022015). Collection method: clinical testing. Allele origin: germline.
Comment: This sequence change replaces asparagine, which is neutral and polar, with lysine, which is basic and polar, at codon 1770 of the COL5A1 protein (p.Asn1770Lys). This variant is not present in population databases (gnomAD no frequency). This variant has not been reported in the literature in individuals affected with COL5A1-related conditions. ClinVar contains an entry for this variant (Variation ID: 1406466). Advanced modeling of protein sequence and biophysical properties (such as structural, functional, and spatial information, amino acid conservation, physicochemical variation, residue mobility, and thermodynamic stability) has been performed at Invitae for this missense variant, however the output from this modeling did not meet the statistical confidence thresholds required to predict the impact of this variant on COL5A1 protein function. In summary, the available evidence is currently insufficient to determine the role of this variant in disease. Therefore, it has been classified as a Variant of Uncertain Significance.